The following is an entry in ClinVar:

ClinVar aggregate classification (germline): Uncertain significance (1 of 4 stars; one submission).

gnomAD v4.1: 1 of 1,609,718 alleles (0.000062%); highest among the groups gnomAD compares: African/African-American, 0.0013%; no homozygotes.

Submission:

Labcorp Genetics (formerly Invitae), Labcorp
Classification: Uncertain significance. Last evaluated: 2024-11-27. Review status: criteria provided, single submitter. Criteria: Invitae Variant Classification Sherloc (09022015). Collection method: clinical testing. Allele origin: germline.
Comment: This sequence change replaces proline, which is neutral and non-polar, with alanine, which is neutral and non-polar, at codon 927 of the COL18A1 protein (p.Pro927Ala). This variant is present in population databases (rs574858636, gnomAD 0.007%). This variant has not been reported in the literature in individuals affected with COL18A1-related conditions. Experimental studies and prediction algorithms are not available or were not evaluated, and the functional significance of this variant is currently unknown. In summary, the available evidence is currently insufficient to determine the role of this variant in disease. Therefore, it has been classified as a Variant of Uncertain Significance.

NM_001379500.1(COL18A1):c.2779C>G (p.Pro927Ala)

Genes: COL18A1 (collagen type XVIII alpha 1 chain; plus strand), SLC19A1 (solute carrier family 19 member 1; minus strand). Cytogenetic location: 21q22.3.
Variant type: single nucleotide variant.
Coding change: c.2779C>G on transcript NM_001379500.1 (MANE Select); coding-DNA position 2779, C replaced by G.
Protein change: p.Pro927Ala; replaces proline 927 with alanine.
Molecular consequence: missense variant.
Genome position (GRCh38, 1-based): chr21:45,504,467, C>G. VCF-style: chr21-45504467-C-G. GRCh37 (hg19) VCF-style: chr21-46924381-C-G.
Other names: c.3319C>G, p.Pro1107Ala (NM_030582.4); c.4024C>G, p.Pro1342Ala (NM_130444.3); short protein forms P1107A, P927A, P1342A.
Identifiers: ClinVar variation 3726158 (VCV003726158.2).